The following is an entry in ClinVar:

ClinVar aggregate classification (germline): Uncertain significance (1 of 4 stars; one submission).

Allele frequency attached by ClinVar (database versions not stated): TOPMed below 0.00001; gnomAD 0.00001.
gnomAD v4.1: 16 of 1,613,948 alleles (0.00099%); highest among the groups gnomAD compares: African/African-American, 0.0013%; no homozygotes.

Submission:

Women's Health and Genetics/Laboratory Corporation of America, LabCorp
Classification: Uncertain significance. Last evaluated: 2025-07-18. Review status: criteria provided, single submitter. Criteria: LabCorp Variant Classification Summary - May 2015. Collection method: clinical testing. Allele origin: germline.
Comment: Variant summary: HYLS1 c.268C>T (p.Arg90X) results in a premature termination codon, predicted to cause a truncation of the encoded protein but is not expected to result in nonsense mediated decay, and current evidence is not sufficient to establish loss of function as a mechanism for disease. The variant was absent in 251394 control chromosomes (gnomAD). The available data on variant occurrences in the general population are insufficient to allow any conclusion about variant significance. To our knowledge, no occurrence of c.268C>T in individuals affected with Hydrolethalus Syndrome, Type 1 and no experimental evidence demonstrating its impact on protein function have been reported. ClinVar contains an entry for this variant (Variation ID: 2445708). Based on the evidence outlined above, the variant was classified as uncertain significance.

NM_001134793.2(HYLS1):c.268C>T (p.Arg90Ter)

Genes: HYLS1 (HYLS1 centriolar and ciliogenesis associated; plus strand), PUS3 (pseudouridine synthase 3; minus strand). Cytogenetic location: 11q24.2.
Variant type: single nucleotide variant.
Coding change: c.268C>T on transcript NM_001134793.2 (MANE Select); coding-DNA position 268, C replaced by T.
Protein change: p.Arg90Ter; replaces arginine 90 with a stop codon.
Molecular consequence: nonsense. On other transcripts: intron variant (2).
Genome position (GRCh38, 1-based): chr11:125,899,636, C>T. VCF-style: chr11-125899636-C-T. GRCh37 (hg19) VCF-style: chr11-125769531-C-T.
Other names: c.268C>T, p.Arg90Ter (NM_001377269.1, NM_001377270.1, NM_001424364.1 and 1 more transcripts); c.-247+3534G>A (NM_001271985.2); c.-46-3306G>A (NM_031307.4); short protein forms R90*.
Identifiers: ClinVar variation 2445708 (VCV002445708.2), dbSNP rs772820066, ClinGen allele CA383203499.